The following is an entry in ClinVar:

ClinVar aggregate classification (germline): Conflicting classifications of pathogenicity. Review status: criteria provided, conflicting classifications (1 of 4 stars). 4 submissions from 4 submitters: Uncertain significance (1); Benign (1); Likely benign (1). 1 of the submissions does not count toward it. Last evaluated 2026-01-01.

Conditions:
CASK-related disorder. Also called: CASK-related disorders; CASK-related condition.
Intellectual disability, CASK-related, X-linked. Identifiers: MedGen CN043158.

Allele frequency attached by ClinVar (database versions not stated): gnomAD exomes 0.00008 and 0.00023; ExAC 0.00028; ESP Exome Variant Server 0.00057; gnomAD 0.00079 and 0.00081; TOPMed 0.00085; 1000 Genomes Project 0.00238; 1000 Genomes Project 30x 0.00271.
gnomAD v4.1: 186 of 1,169,599 alleles (0.016%); highest among the groups gnomAD compares: African/African-American, 0.26%; no homozygotes.

Submissions (4):

Labcorp Genetics (formerly Invitae), Labcorp
Classification: Benign for Intellectual disability, CASK-related, X-linked. Last evaluated: 2026-01-01. Review status: criteria provided, single submitter. Criteria: Invitae Variant Classification Sherloc (09022015). Collection method: clinical testing. Allele origin: germline.

Blueprint Genetics
Classification: Likely benign. Last evaluated: 2023-02-15. Review status: criteria provided, single submitter. Criteria: ACMG Guidelines, 2015. Collection method: clinical testing. Allele origin: germline.

Eurofins Ntd Llc (ga)
Classification: Uncertain significance. Last evaluated: 2016-05-06. Review status: criteria provided, single submitter. Criteria: EGL Classification Definitions 2015. Collection method: clinical testing. Allele origin: germline. Observed: 1 variant allele, 1 heterozygote.

PreventionGenetics, part of Exact Sciences
Classification: Likely benign for CASK-related condition. Last evaluated: 2021-03-09. Review status: no assertion criteria provided. Collection method: clinical testing. Allele origin: germline. Not counted in ClinVar's aggregate classification.
Comment: This variant is classified as likely benign based on ACMG/AMP sequence variant interpretation guidelines (Richards et al. 2015 PMID: 25741868, with internal and published modifications).

NM_001367721.1(CASK):c.2317+9T>C

Gene: CASK (calcium/calmodulin dependent serine protein kinase; minus strand). Cytogenetic location: Xp11.4.
Variant type: single nucleotide variant.
Coding change: c.2317+9T>C on transcript NM_001367721.1 (MANE Select); 9 bases into the intron after coding-DNA position 2317, T replaced by C.
Molecular consequence: intron variant.
Genome position (GRCh38, 1-based): chrX:41,534,697, A>G on the plus strand (T>C on the coding strand, the complement: CASK is on the minus strand). VCF-style: chrX-41534697-A-G. GRCh37 (hg19) VCF-style: chrX-41393950-A-G.
Other names: c.2230+9T>C (NM_001126055.3); c.2299+9T>C (NM_001410745.1); c.2233+9T>C (NM_001126054.3); c.2302+9T>C (NM_003688.4).
Identifiers: ClinVar variation 287834 (VCV000287834.19), dbSNP rs5964007, ClinGen allele CA10390041.